The following is an entry in ClinVar:

NM_000535.7(PMS2):c.1221G>T (p.Arg407Ser)

Gene: PMS2 (PMS1 homolog 2, mismatch repair system component; minus strand). Cytogenetic location: 7p22.1.
Variant type: single nucleotide variant.
Coding change: c.1221G>T on transcript NM_000535.7 (MANE Select); coding-DNA position 1221, G replaced by T.
Protein change: p.Arg407Ser; replaces arginine 407 with serine.
Molecular consequence: missense variant. On other transcripts: non-coding transcript variant (1).
Genome position (GRCh38, 1-based): chr7:5,987,544, C>A on the plus strand (G>T on the coding strand, the complement: PMS2 is on the minus strand). VCF-style: chr7-5987544-C-A. GRCh37 (hg19) VCF-style: chr7-6027175-C-A.
Other names: c.816G>T, p.Arg272Ser (NM_001322003.2, NM_001322004.2, NM_001322005.2 and 1 more transcripts); c.1065G>T, p.Arg355Ser (NM_001322006.2); c.903G>T, p.Arg301Ser (NM_001322007.2, NM_001322008.2); c.660G>T, p.Arg220Ser (NM_001322010.2); c.288G>T, p.Arg96Ser (NM_001322011.2, NM_001322012.2); c.648G>T, p.Arg216Ser (NM_001322013.2); c.1221G>T, p.Arg407Ser (NM_001322014.2); c.912G>T, p.Arg304Ser (NM_001322015.2); short protein forms R407S, R220S, R272S, R96S, R216S, R304S, R355S, R301S.
Identifiers: ClinVar variation 490091 (VCV000490091.6), dbSNP rs1305178511, ClinGen allele CA366742539.

ClinVar aggregate classification (germline): Uncertain significance (1 of 4 stars; one submission).

Conditions:
Hereditary cancer-predisposing syndrome. Also called: Hereditary Cancer Syndrome; Neoplastic Syndromes, Hereditary; Tumor predisposition; Hereditary neoplastic syndrome. Identifiers: Orphanet 140162, MedGen C0027672, MeSH D009386, MONDO:0015356.

Submission:

Color Diagnostics, LLC DBA Color Health
Classification: Uncertain significance for Hereditary cancer-predisposing syndrome. Last evaluated: 2023-12-05. Review status: criteria provided, single submitter. Criteria: ACMG Guidelines, 2015. Collection method: clinical testing. Allele origin: germline.
Comment: This missense variant replaces arginine with serine at codon 407 of the PMS2 protein. Computational prediction suggests that this variant may not impact protein structure and function (internally defined REVEL score threshold <= 0.5, PMID: 27666373). To our knowledge, functional studies have not been reported for this variant. This variant has not been reported in individuals affected with PMS2-related disorders in the literature. This variant has not been identified in the general population by the Genome Aggregation Database (gnomAD). The available evidence is insufficient to determine the role of this variant in disease conclusively. Therefore, this variant is classified as a Variant of Uncertain Significance.